The following is an entry in ClinVar:

NM_002900.3(RBP3):c.509G>A (p.Arg170Gln)

Gene: RBP3 (retinol binding protein 3; plus strand). Cytogenetic location: 10q11.22.
Variant type: single nucleotide variant.
Coding change: c.509G>A on transcript NM_002900.3 (MANE Select); coding-DNA position 509, G replaced by A.
Protein change: p.Arg170Gln; replaces arginine 170 with glutamine.
Molecular consequence: missense variant.
Genome position (GRCh38, 1-based): chr10:47,348,993, G>A. VCF-style: chr10-47348993-G-A. GRCh37 (hg19) VCF-style: chr10-48390369-C-T.
Other names: short protein forms R170Q.
Identifiers: ClinVar variation 1184596 (VCV001184596.11), dbSNP rs782671340, ClinGen allele CA5487770.

ClinVar aggregate classification (germline): Uncertain significance. Review status: criteria provided, multiple submitters, no conflicts (2 of 4 stars). 5 submissions from 5 submitters: Uncertain significance (4). 1 of the submissions does not count toward it. Last evaluated 2024-10-17.

Conditions:
Retinal dystrophy. Also called: Inherited retinal dystrophy. Identifiers: Orphanet 71862, MedGen C0854723, MeSH D058499, MONDO:0019118, HP:0000556.
Retinitis pigmentosa 66 (RP66). Identifiers: Orphanet 791, MedGen C3715216, MONDO:0014093, OMIM 615233.
Retinitis pigmentosa (RP). Identifiers: Orphanet 791, MedGen C0035334, MeSH D012174, MONDO:0019200, OMIM 268000. Inheritance: Autosomal dominant, autosomal recessive and X linked inheritance.

Allele frequency attached by ClinVar (database versions not stated): TOPMed 0.00003; gnomAD 0.00004 and 0.00005.
gnomAD v4.1: 78 of 1,613,842 alleles (0.0048%); highest among the groups gnomAD compares: South Asian, 0.02%; 1 homozygote.

Submissions (5):

Blueprint Genetics
Classification: Uncertain significance. Last evaluated: 2024-10-17. Review status: criteria provided, single submitter. Criteria: ACMG Guidelines, 2015. Collection method: clinical testing. Allele origin: germline.

Department of Pathology and Laboratory Medicine, Sinai Health System
Classification: Uncertain significance for Retinitis pigmentosa; Retinitis pigmentosa 66. Last evaluated: 2023-02-13. Review status: criteria provided, single submitter. Criteria: ACMG Guidelines, 2015. Collection method: research. Allele origin: germline.

Labcorp Genetics (formerly Invitae), Labcorp
Classification: Uncertain significance. Last evaluated: 2022-08-19. Review status: criteria provided, single submitter. Criteria: Invitae Variant Classification Sherloc (09022015). Collection method: clinical testing. Allele origin: germline.
Comment: In summary, the available evidence is currently insufficient to determine the role of this variant in disease. Therefore, it has been classified as a Variant of Uncertain Significance. Algorithms developed to predict the effect of sequence changes on RNA splicing suggest that this variant may create or strengthen a splice site. Algorithms developed to predict the effect of missense changes on protein structure and function output the following: SIFT: "Tolerated"; PolyPhen-2: "Benign"; Align-GVGD: "Class C0". The glutamine amino acid residue is found in multiple mammalian species, which suggests that this missense change does not adversely affect protein function. ClinVar contains an entry for this variant (Variation ID: 1184596). This variant has not been reported in the literature in individuals affected with RBP3-related conditions. This variant is present in population databases (rs782671340, gnomAD 0.02%). This sequence change replaces arginine, which is basic and polar, with glutamine, which is neutral and polar, at codon 170 of the RBP3 protein (p.Arg170Gln).

Institute of Human Genetics, Univ. Regensburg, Univ. Regensburg
Classification: Uncertain significance for Retinal dystrophy. Last evaluated: 2018-01-01. Review status: criteria provided, single submitter. Criteria: ACMG Guidelines, 2015. Collection method: clinical testing. Allele origin: germline. Affected: yes.

Genomics England Pilot Project, Genomics England
Classification: Likely pathogenic for Retinitis pigmentosa 66. Review status: no assertion criteria provided. Criteria: ACGS Guidelines, 2016. Collection method: clinical testing. Allele origin: germline. Affected: yes. Not counted in ClinVar's aggregate classification.

Literature cited by the submitters: PubMed 34758253 (cited by Institute of Human Genetics, Univ. Regensburg, Univ. Regensburg).